The following is an entry in ClinVar:

NM_004100.5(EYA4):c.890A>G (p.Asn297Ser)

Gene: EYA4 (EYA transcriptional coactivator and phosphatase 4; plus strand). Cytogenetic location: 6q23.2.
Variant type: single nucleotide variant.
Coding change: c.890A>G on transcript NM_004100.5 (MANE Select); coding-DNA position 890, A replaced by G.
Protein change: p.Asn297Ser; replaces asparagine 297 with serine.
Molecular consequence: missense variant.
Genome position (GRCh38, 1-based): chr6:133,468,651, A>G. VCF-style: chr6-133468651-A-G. GRCh37 (hg19) VCF-style: chr6-133789789-A-G.
Other names: c.728A>G, p.Asn243Ser (NM_001301012.2, NM_001370459.1); c.890A>G, p.Asn297Ser (NM_001301013.2, NM_172105.4); c.821A>G, p.Asn274Ser (NM_001370458.1, NM_172103.4); short protein forms N297S, N274S, N243S.
Identifiers: ClinVar variation 4722476 (VCV004722476.1).

ClinVar aggregate classification (germline): Uncertain significance (1 of 4 stars; one submission).

Conditions:
Dilated cardiomyopathy 1J (CMD1J). Also called: CARDIOMYOPATHY, DILATED, WITH SENSORINEURAL HEARING LOSS, AUTOSOMAL DOMINANT. Identifiers: Orphanet 217622, MedGen C1854368, MONDO:0011541, OMIM 605362.

Submission:

Labcorp Genetics (formerly Invitae), Labcorp
Classification: Uncertain significance for Dilated cardiomyopathy 1J. Last evaluated: 2025-07-07. Review status: criteria provided, single submitter. Criteria: Invitae Variant Classification Sherloc (09022015). Collection method: clinical testing. Allele origin: germline.
Comment: This sequence change replaces asparagine, which is neutral and polar, with serine, which is neutral and polar, at codon 297 of the EYA4 protein (p.Asn297Ser). This variant is not present in population databases (gnomAD no frequency). This variant has not been reported in the literature in individuals affected with EYA4-related conditions. An algorithm developed to predict the effect of missense changes on protein structure and function (PolyPhen-2) suggests that this variant is likely to be tolerated. In summary, the available evidence is currently insufficient to determine the role of this variant in disease. Therefore, it has been classified as a Variant of Uncertain Significance.